The following is an entry in ClinVar:

ClinVar aggregate classification (germline): Conflicting classifications of pathogenicity. Review status: criteria provided, conflicting classifications (1 of 4 stars). 2 submissions from 2 submitters: Likely pathogenic (1); Uncertain significance (1). Last evaluated 2024-01-13.

Conditions:
Microvascular complications of diabetes, susceptibility to, 3. Identifiers: MedGen C2675470, MONDO:0012963, OMIM 612624.
Renal tubular dysgenesis of genetic origin. Also called: PRIMITIVE RENAL TUBULE SYNDROME. Identifiers: Orphanet 97369, MedGen C5681536, MONDO:0009970, OMIM 267430.
Hemorrhage, intracerebral, susceptibility to (ICH). Also called: Stroke, hemorrhagic, susceptibility to. Identifiers: MedGen C3281105, MONDO:0100533, OMIM 614519.

Allele frequency attached by ClinVar (database versions not stated): gnomAD exomes below 0.00001 and 0.00001.
gnomAD v4.1: 4 of 1,613,988 alleles (0.00025%); highest among the groups gnomAD compares: South Asian, 0.0011%; no homozygotes.

Submissions (2):

Fulgent Genetics
Classification: Uncertain significance for Renal tubular dysgenesis of genetic origin; Microvascular complications of diabetes, susceptibility to, 3; Hemorrhage, intracerebral, susceptibility to. Last evaluated: 2024-01-13. Review status: criteria provided, single submitter. Criteria: ACMG Guidelines, 2015. Collection method: clinical testing. Allele origin: germline.

GeneDx
Classification: Likely pathogenic. Last evaluated: 2016-04-13. Review status: criteria provided, single submitter. Criteria: GeneDx Variant Classification (06012015). Collection method: clinical testing. Allele origin: germline. Affected: yes.
Comment: The L273F variant in the ACE gene has not been reported previously as a pathogenic variant, nor as a benign variant, to our knowledge. The L273F variant was not observed in approximately 6500 individuals of European and African American ancestry in the NHLBI Exome Sequencing Project, indicating it is not a common benign variant in these populations. The L273F variant is a conservative amino acid substitution, which is not likely to impact secondary protein structure as these residues share similar properties. This substitution occurs at a position that is conserved across species. In silico analysis is inconsistent in its predictions as to whether or not the variant is damaging to the protein structure/function. We interpret L273F as a likely pathogenic variant

NM_000789.4(ACE):c.817C>T (p.Leu273Phe)

Gene: ACE (angiotensin I converting enzyme; plus strand). Cytogenetic location: 17q23.3.
Variant type: single nucleotide variant.
Coding change: c.817C>T on transcript NM_000789.4 (MANE Select); coding-DNA position 817, C replaced by T.
Protein change: p.Leu273Phe; replaces leucine 273 with phenylalanine.
Molecular consequence: missense variant.
Genome position (GRCh38, 1-based): chr17:63,480,498, C>T. VCF-style: chr17-63480498-C-T. GRCh37 (hg19) VCF-style: chr17-61557859-C-T.
Other names: short protein forms L273F.
Identifiers: ClinVar variation 432142 (VCV000432142.3), dbSNP rs1357918249, ClinGen allele CA400544814.